The following is an entry in ClinVar:

NM_002941.4(ROBO1):c.3704A>C (p.Asp1235Ala)

Gene: ROBO1 (roundabout guidance receptor 1; minus strand). Cytogenetic location: 3p12.3.
Variant type: single nucleotide variant.
Coding change: c.3704A>C on transcript NM_002941.4 (MANE Select); coding-DNA position 3704, A replaced by C.
Protein change: p.Asp1235Ala; replaces aspartic acid 1235 with alanine.
Molecular consequence: missense variant.
Genome position (GRCh38, 1-based): chr3:78,627,492, T>G on the plus strand (A>C on the coding strand, the complement: ROBO1 is on the minus strand). VCF-style: chr3-78627492-T-G. GRCh37 (hg19) VCF-style: chr3-78676642-T-G.
Other names: c.3404A>C, p.Asp1135Ala (NM_001145845.2); c.3569A>C, p.Asp1190Ala (NM_133631.4); short protein forms D1135A, D1235A, D1190A.
Identifiers: ClinVar variation 4775751 (VCV004775751.1).

ClinVar aggregate classification (germline): Uncertain significance (1 of 4 stars; one submission).

gnomAD v4.1: 28 of 1,613,178 alleles (0.0017%); highest among the groups gnomAD compares: East Asian, 0.04%; no homozygotes.

Submission:

Labcorp Genetics (formerly Invitae), Labcorp
Classification: Uncertain significance. Last evaluated: 2026-01-26. Review status: criteria provided, single submitter. Criteria: Invitae Variant Classification Sherloc (09022015). Collection method: clinical testing. Allele origin: germline.
Comment: This sequence change replaces aspartic acid, which is acidic and polar, with alanine, which is neutral and non-polar, at codon 1235 of the ROBO1 protein (p.Asp1235Ala). This variant is present in population databases (rs746236389, gnomAD 0.02%). This variant has not been reported in the literature in individuals affected with ROBO1-related conditions. Invitae Evidence Modeling of protein sequence and biophysical properties (such as structural, functional, and spatial information, amino acid conservation, physicochemical variation, residue mobility, and thermodynamic stability) indicates that this missense variant is not expected to disrupt ROBO1 protein function with a negative predictive value of 95%. In summary, the available evidence is currently insufficient to determine the role of this variant in disease. Therefore, it has been classified as a Variant of Uncertain Significance.